The following is an entry in ClinVar:

NM_021815.5(SLC5A7):c.1349G>A (p.Gly450Glu)

Gene: SLC5A7 (solute carrier family 5 member 7; plus strand). Cytogenetic location: 2q12.3.
Variant type: single nucleotide variant.
Coding change: c.1349G>A on transcript NM_021815.5 (MANE Select); coding-DNA position 1349, G replaced by A.
Protein change: p.Gly450Glu; replaces glycine 450 with glutamic acid.
Molecular consequence: missense variant.
Genome position (GRCh38, 1-based): chr2:108,010,467, G>A. VCF-style: chr2-108010467-G-A. GRCh37 (hg19) VCF-style: chr2-108626923-G-A.
Other names: c.1349G>A, p.Gly450Glu (NM_001305005.3); c.1034G>A, p.Gly345Glu (NM_001305006.3); c.608G>A, p.Gly203Glu (NM_001305007.3); short protein forms G203E, G345E, G450E.
Identifiers: ClinVar variation 2687767 (VCV002687767.2), dbSNP rs2467132951, ClinGen allele CA348114376.

ClinVar aggregate classification (germline): Likely pathogenic (0 of 4 stars; one submission).

Conditions:
Congenital myasthenic syndrome 20. Also called: Myasthenic syndrome, congenital, 20, presynaptic. Identifiers: MedGen C4310694, MONDO:0014939, OMIM 617143.

Submission:

Ricardo Maselli Laboratory, University of California Davis
Classification: Likely pathogenic for Congenital myasthenic syndrome 20. Last evaluated: 2024-01-16. Review status: no assertion criteria provided. Collection method: clinical testing. Allele origin: unknown. Inheritance: Autosomal recessive inheritance. Observed: 1 compound heterozygote.
Comment: Congenital Myasthenic Syndrome with episodic apneas.